The following is an entry in ClinVar:

NM_004006.3(DMD):c.4064A>G (p.His1355Arg)

Gene: DMD (dystrophin; minus strand). Cytogenetic location: Xp21.1.
Variant type: single nucleotide variant.
Coding change: c.4064A>G on transcript NM_004006.3 (MANE Select); coding-DNA position 4064, A replaced by G.
Protein change: p.His1355Arg; replaces histidine 1355 with arginine.
Molecular consequence: missense variant.
Genome position (GRCh38, 1-based): chrX:32,438,248, T>C on the plus strand (A>G on the coding strand, the complement: DMD is on the minus strand). VCF-style: chrX-32438248-T-C. GRCh37 (hg19) VCF-style: chrX-32456365-T-C.
Other names: c.4040A>G, p.His1347Arg (NM_000109.4); c.4052A>G, p.His1351Arg (NM_004009.3); c.3695A>G, p.His1232Arg (NM_004010.3); short protein forms H1232R, H1351R, H1347R, H1355R.
Identifiers: ClinVar variation 938922 (VCV000938922.5), dbSNP rs1422809613, ClinGen allele CA412669214.

ClinVar aggregate classification (germline): Uncertain significance. Review status: criteria provided, single submitter (1 of 4 stars). 2 submissions from 2 submitters: Uncertain significance (1). 1 of the submissions does not count toward it. Last evaluated 2021-08-26.

Conditions:
Duchenne muscular dystrophy (DMD). Also called: Duchenne Muscular Dystrophy (DMD); MUSCULAR DYSTROPHY, PSEUDOHYPERTROPHIC PROGRESSIVE, DUCHENNE TYPE. Identifiers: Orphanet 98896, MedGen C0013264, MONDO:0010679, OMIM 310200.
Cardiomyopathy (CMYO). Also called: Cardiomyopathies. Identifiers: Orphanet 167848, MedGen C0878544, MONDO:0004994, HP:0001638. Inheritance: Various modes of inheritance.
Dystrophin deficiency.
Becker muscular dystrophy (BMD). Also called: MUSCULAR DYSTROPHY, PSEUDOHYPERTROPHIC PROGRESSIVE, BECKER TYPE; Becker Muscular Dystrophy (BMD). Identifiers: Orphanet 98895, MedGen C0917713, MONDO:0010311, OMIM 300376.

Allele frequency attached by ClinVar (database versions not stated): gnomAD exomes below 0.00001; gnomAD 0.00001 and 0.00003; TOPMed 0.00001.
gnomAD v4.1: 4 of 1,209,440 alleles (0.00033%); highest among the groups gnomAD compares: Admixed American, 0.0044%; 1 homozygote.

Submissions (2):

Labcorp Genetics (formerly Invitae), Labcorp
Classification: Uncertain significance for Duchenne muscular dystrophy. Last evaluated: 2021-08-26. Review status: criteria provided, single submitter. Criteria: Invitae Variant Classification Sherloc (09022015). Collection method: clinical testing. Allele origin: germline.
Comment: This sequence change replaces histidine with arginine at codon 1355 of the DMD protein (p.His1355Arg). The histidine residue is moderately conserved and there is a small physicochemical difference between histidine and arginine. This variant is not present in population databases (ExAC no frequency). This variant has not been reported in the literature in individuals affected with DMD-related conditions. Algorithms developed to predict the effect of missense changes on protein structure and function are either unavailable or do not agree on the potential impact of this missense change (SIFT: "Tolerated"; PolyPhen-2: "Possibly Damaging"; Align-GVGD: "Class C0"). In summary, the available evidence is currently insufficient to determine the role of this variant in disease. Therefore, it has been classified as a Variant of Uncertain Significance.

Natera, Inc.
Classification: Uncertain significance for Becker muscular dystrophy; Cardiomyopathy; Duchenne muscular dystrophy; Dystrophin deficiency. Last evaluated: 2020-08-31. Review status: no assertion criteria provided. Collection method: clinical testing. Allele origin: germline. Not counted in ClinVar's aggregate classification.